The following is an entry in ClinVar:

ClinVar aggregate classification (germline): Conflicting classifications of pathogenicity. Review status: criteria provided, conflicting classifications (1 of 4 stars). 4 submissions from 4 submitters: Likely pathogenic (2); Uncertain significance (1). 1 of the submissions does not count toward it. Last evaluated 2025-12-22.

Conditions:
TTN-related disorder. Also called: TTN-related disorders; TTN-related condition; TTN-related disease.
Autosomal recessive limb-girdle muscular dystrophy type 2J (LGMDR10). Also called: MUSCULAR DYSTROPHY, LIMB-GIRDLE, AUTOSOMAL RECESSIVE 10; Limb-girdle muscular dystrophy, type 2J. Identifiers: Orphanet 140922, MedGen C1837342, MONDO:0012127, OMIM 608807.
Dilated cardiomyopathy 1G (CMD1G). Identifiers: Orphanet 154, MedGen C1858763, MONDO:0011400, OMIM 604145.

gnomAD v4.1: 42 of 1,613,258 alleles (0.0026%); highest among the groups gnomAD compares: Non-Finnish European, 0.0035%; no homozygotes.

Submissions (4):

Labcorp Genetics (formerly Invitae), Labcorp
Classification: Likely pathogenic for Dilated cardiomyopathy 1G; Autosomal recessive limb-girdle muscular dystrophy type 2J. Last evaluated: 2025-12-22. Review status: criteria provided, single submitter. Criteria: Invitae Variant Classification Sherloc (09022015). Collection method: clinical testing. Allele origin: germline.
Comment: This sequence change affects an acceptor splice site in intron 169 of the TTN gene. It is expected to disrupt RNA splicing and likely results in a truncated or disrupted TTN protein. This variant is present in population databases (rs577672565, gnomAD 0.002%). Disruption of this splice site has been observed in individual(s) with TTN-related conditions (PMID: 31216868). ClinVar contains an entry for this variant (Variation ID: 1410242). Algorithms developed to predict the effect of sequence changes on RNA splicing suggest that this variant may disrupt the consensus splice site. This variant is located in the I band of TTN (PMID: 25589632). Truncating variants in this region have been reported in individuals affected with autosomal recessive centronuclear myopathy (PMID: 23975875, internal data). Truncating variants in this region have also been identified in individuals affected with autosomal dominant dilated cardiomyopathy and/or cardio-related conditions (PMID: 27869827, 32964742, internal data). In summary, the currently available evidence indicates that the variant is pathogenic, but additional data are needed to prove that conclusively. Therefore, this variant has been classified as Likely Pathogenic.

Victorian Clinical Genetics Services, Murdoch Childrens Research Institute
Classification: Uncertain significance for Dilated cardiomyopathy 1G. Last evaluated: 2023-07-17. Review status: criteria provided, single submitter. Criteria: ACMG Guidelines, 2015. Collection method: clinical testing. Allele origin: germline. Inheritance: Autosomal dominant inheritance. Affected: yes.
Comment: Based on the classification scheme VCGS_Germline_v1.3.4, this variant is classified as VUS-3C. Following criteria are met: 0102 - Loss of function is known mechanism of disease in this gene. In addition, dominant-negative is also a suggested mechanism. (PMID: 25589632). (I) 0108 - This gene is associated with both recessive and dominant disease (OMIM). (I) 0112 - The condition associated with this gene has incomplete penetrance. Variants in this gene that result in a premature truncating codon (PTC) are known to have reduced penetrance in DCM (PMID: 25589632). (I) 0211 - Canonical splice site variant without proven consequence on splicing (no functional evidence available). (SP) 0219 - This variant is non-coding in alternative transcripts. It is deep-intronic in all other alternative NCBI transcripts, including the cardiac muscle predominant isoforms NM_003319.4 and NM_001256850.1, and the skeletal muscle predominant isoform NM_133378.4 (UCSC, cardiodb). (I) 0251 - This variant is heterozygous. (I) 0304 - Variant is present in gnomAD <0.01 (v2: 2 heterozygotes, 0 homozygotes). (SP) 0311 - An alternative nucleotide change at the same canonical splice site is present in gnomAD (v2: 1 heterozygote, 0 homozygotes). (SB) 0508 - In silico predictions for abnormal splicing are conflicting. (I) 0604 - Variant is not located in an established domain, motif, hotspot or informative constraint region, and the nearest exon has PSI of 1% (PMID: 25589632). (I) 0705 - No comparable splice site variants have previous evidence for pathogenicity. (I) 0809 - Previous evidence of pathogenicity for this variant is inconclusive. It has been reported as a VUS by one clinical testing laboratory (ClinVar). It has also been reported in a publication, however phenotype(s) of those individual(s) were not available (PMID: 31216868). (I) 0905 - No published segregation evidence has been identified for this variant. (I) 1007 - No published functional evidence has been identified for this variant. (I) 1208 - Inheritance information for this variant is not currently available in this individual. (I) Legend: (SP) - Supporting pathogenic, (I) - Information, (SB) - Supporting benign

GeneDx
Classification: Likely pathogenic. Last evaluated: 2023-04-04. Review status: criteria provided, single submitter. Criteria: GeneDx Variant Classification Process June 2021. Collection method: clinical testing. Allele origin: germline. Affected: yes.
Comment: Canonical splice site variant expected to result in aberrant splicing, although in the absence of functional evidence the actual effect of this sequence change is unknown.; Located in a region of TTN in which the majority of pathogenic variants have been reported in association with autosomal recessive titinopathies (Fernandez-Marmiesse et al., 2017; Chervinsky et al., 2018; Bryen, et al., 2020; Savarese et al., 2020); Not observed at significant frequency in large population cohorts (gnomAD); Has not been previously published as pathogenic or benign to our knowledge; This variant is associated with the following publications: (PMID: 27625338, 27869827)

PreventionGenetics, part of Exact Sciences
Classification: Likely pathogenic for TTN-related condition. Last evaluated: 2024-02-15. Review status: no assertion criteria provided. Collection method: clinical testing. Allele origin: germline. Not counted in ClinVar's aggregate classification.
Comment: The TTN c.36365-1G>A variant is predicted to disrupt the AG splice acceptor site and interfere with normal splicing. To our knowledge, this variant has not been reported in the literature. This variant is reported in 0.002% of alleles in individuals of European (Non-Finnish) descent in gnomAD. This variant is located in the TTN protein I-band region. RNAseq studies from heart tissue indicate this exon is not commonly included in TTN mRNA transcripts (Exon 171, PSI of 1%-7%); however, this analysis was not performed in muscle tissue (Roberts et al. 2015. PMID: 25589632). TTN truncating variants are reported in 1-2% of presumably healthy individuals and occur more frequently in exons with low PSI values (Roberts et al. 2015. PMID: 25589632; Herman D.S. et al. 2012. PMID: 22335739). This variant is found in an exon specific to the TTN metatranscript and is not included in the skeletal muscle isoform (NM_133378.4); however, many other protein truncating and splice variants in these low PSI metatranscript-only exons have been recently observed in severe recessive congenital titinopathies (Bryen et al. 2020. PubMed ID: 31660661; Oates et al. 2018. PubMed ID: 29691892; Chervinsky et al. 2018. PubMed ID: 29575618). Many cases of recessive TTN-related myopathies in which the individual is compound heterozygous for two loss of function variants in TTN have also been reported (Ceyhan-Birsoy et al. 2013. PMID: 23975875; Chauveau et al. 2014. PMID: 24105469; Evilä et al. 2016. PMID: 27796757; Ge et al. 2019. PubMed ID: 31053406). In summary, the c.36365-1G>A variant is likely pathogenic for autosomal recessive TTN-related disorders.

Literature cited by the submitters: PubMed 31216868 (cited by Labcorp Genetics (formerly Invitae), Labcorp and Victorian Clinical Genetics Services, Murdoch Childrens Research Institute); PubMed 25589632 (cited by Labcorp Genetics (formerly Invitae), Labcorp and Victorian Clinical Genetics Services, Murdoch Childrens Research Institute); PubMed 23975875 (cited by Labcorp Genetics (formerly Invitae), Labcorp); PubMed 27869827 (cited by Labcorp Genetics (formerly Invitae), Labcorp); PubMed 32964742 (cited by Labcorp Genetics (formerly Invitae), Labcorp).

NM_001267550.2(TTN):c.36365-1G>A

Gene: TTN (titin; minus strand). Cytogenetic location: 2q31.2.
Variant type: single nucleotide variant.
Coding change: c.36365-1G>A on transcript NM_001267550.2 (MANE Select); the canonical splice acceptor site of the intron before coding-DNA position 36365, G replaced by A.
Molecular consequence: splice acceptor variant. On other transcripts: intron variant (5).
Genome position (GRCh38, 1-based): chr2:178,663,903, C>T on the plus strand (G>A on the coding strand, the complement: TTN is on the minus strand). VCF-style: chr2-178663903-C-T. GRCh37 (hg19) VCF-style: chr2-179528630-C-T.
Other names: c.36365-1G>A (NM_001267550.1); c.13283-21586G>A (NM_003319.4); c.13859-21586G>A (NM_133437.4); c.13658-21586G>A (NM_133432.3); c.31484-848G>A (NM_133378.4); c.34265-848G>A (NM_001256850.1).
Identifiers: ClinVar variation 1410242 (VCV001410242.10), dbSNP rs577672565, ClinGen allele CA1997510.